The following is an entry in ClinVar:

NM_001111067.4(ACVR1):c.788T>G (p.Leu263Ter)

Gene: ACVR1 (activin A receptor type 1; minus strand). Cytogenetic location: 2q24.1.
Variant type: single nucleotide variant.
Coding change: c.788T>G on transcript NM_001111067.4 (MANE Select); coding-DNA position 788, T replaced by G.
Protein change: p.Leu263Ter; replaces leucine 263 with a stop codon.
Molecular consequence: nonsense.
Genome position (GRCh38, 1-based): chr2:157,770,370, A>C on the plus strand (T>G on the coding strand, the complement: ACVR1 is on the minus strand). VCF-style: chr2-157770370-A-C. GRCh37 (hg19) VCF-style: chr2-158626882-A-C.
Other names: c.788T>G, p.Leu263Ter (NM_001105.5, NM_001347663.1, NM_001347664.1 and 3 more transcripts); short protein forms L263*.
Identifiers: ClinVar variation 2077945 (VCV002077945.4), dbSNP rs2467941623, ClinGen allele CA349191050.

ClinVar aggregate classification (germline): Uncertain significance (1 of 4 stars; one submission).

Submission:

Labcorp Genetics (formerly Invitae), Labcorp
Classification: Uncertain significance. Last evaluated: 2023-11-27. Review status: criteria provided, single submitter. Criteria: Invitae Variant Classification Sherloc (09022015). Collection method: clinical testing. Allele origin: germline.
Comment: This sequence change creates a premature translational stop signal (p.Leu263*) in the ACVR1 gene. It is expected to result in an absent or disrupted protein product. However, the current clinical and genetic evidence is not sufficient to establish whether loss-of-function variants in ACVR1 cause disease. This variant is not present in population databases (gnomAD no frequency). This variant has not been reported in the literature in individuals affected with ACVR1-related conditions. ClinVar contains an entry for this variant (Variation ID: 2077945). In summary, the available evidence is currently insufficient to determine the role of this variant in disease. Therefore, it has been classified as a Variant of Uncertain Significance.